The following is an entry in ClinVar:

ClinVar aggregate classification (germline): Likely benign. Review status: criteria provided, single submitter (1 of 4 stars). 2 submissions from 2 submitters: Likely benign (1). 1 of the submissions does not count toward it. Last evaluated 2025-03-10.

Conditions:
LRP10-related disorder. Also called: LRP10-related condition.

Allele frequency attached by ClinVar (database versions not stated): 1000 Genomes Project 0.00379; gnomAD exomes 0.00026; 1000 Genomes Project 30x 0.00390; ExAC 0.00095; gnomAD 0.00050; TOPMed 0.00052.
gnomAD v4.1: 492 of 1,614,074 alleles (0.03%); highest among the groups gnomAD compares: East Asian, 0.96%; 4 homozygotes.

Submissions (2):

Mayo Clinic Laboratories, Mayo Clinic
Classification: Likely benign. Last evaluated: 2025-03-10. Review status: criteria provided, single submitter. Criteria: ACMG Guidelines, 2015. Collection method: clinical testing. Allele origin: germline. Observed: 1 variant allele.
Comment: BS1, BP4_moderate

PreventionGenetics, part of Exact Sciences
Classification: Benign for LRP10-related condition. Last evaluated: 2019-12-06. Review status: no assertion criteria provided. Collection method: clinical testing. Allele origin: germline. Not counted in ClinVar's aggregate classification.
Comment: This variant is classified as benign based on ACMG/AMP sequence variant interpretation guidelines (Richards et al. 2015 PMID: 25741868, with internal and published modifications).

Literature cited by the submitters: PubMed 34216936 (cited by Mayo Clinic Laboratories, Mayo Clinic).

NM_014045.5(LRP10):c.643T>C (p.Ser215Pro)

Gene: LRP10 (LDL receptor related protein 10; plus strand). Cytogenetic location: 14q11.2.
Variant type: single nucleotide variant.
Coding change: c.643T>C on transcript NM_014045.5 (MANE Select); coding-DNA position 643, T replaced by C.
Protein change: p.Ser215Pro; replaces serine 215 with proline.
Molecular consequence: missense variant.
Genome position (GRCh38, 1-based): chr14:22,875,591, T>C. VCF-style: chr14-22875591-T-C. GRCh37 (hg19) VCF-style: chr14-23344800-T-C.
Other names: p.Ser215Pro; c.643T>C, p.Ser215Pro (NM_001329226.2); short protein forms S215P.
Identifiers: ClinVar variation 3050674 (VCV003050674.3), dbSNP rs200366546, ClinGen allele CA7105758.
Genomic context (GRCh38, chr14:22,875,591, plus strand): 5'-ACCTTGGAGGACTTCTATGGGGTCTTCTCCTCTCCTGGATATACACACCTAGCCTCAGTC[T>C]CCCACCCCCAGTCCTGCCATTGGCTGCTGGACCCCCATGATGGCCGGCGGCTGGCCGTGC-3'
Protein context (NP_054764.2, residues 205-225): SPGYTHLASV[Ser215Pro]HPQSCHWLLD